The following is an entry in ClinVar:

ClinVar aggregate classification (germline): Uncertain significance (1 of 4 stars; one submission).

Conditions:
Peroxisome biogenesis disorder 11A (Zellweger). Also called: Peroxisome biogenesis disorder 11A. Identifiers: Orphanet 912, MedGen C3554000, MONDO:0013949, OMIM 614883.

Allele frequency attached by ClinVar (database versions not stated): gnomAD exomes below 0.00001 and 0.00001; ExAC 0.00001.
gnomAD v4.1: 1 of 1,614,042 alleles (0.000062%); highest among the groups gnomAD compares: East Asian, 0.0022%; no homozygotes.

Submission:

Labcorp Genetics (formerly Invitae), Labcorp
Classification: Uncertain significance for Peroxisome biogenesis disorder 11A (Zellweger). Last evaluated: 2020-12-21. Review status: criteria provided, single submitter. Criteria: Invitae Variant Classification Sherloc (09022015). Collection method: clinical testing. Allele origin: germline.
Comment: In summary, the available evidence is currently insufficient to determine the role of this variant in disease. Therefore, it has been classified as a Variant of Uncertain Significance. Algorithms developed to predict the effect of missense changes on protein structure and function are either unavailable or do not agree on the potential impact of this missense change (SIFT: "Tolerated"; PolyPhen-2: "Possibly Damaging"; Align-GVGD: "Class C0"). This variant has not been reported in the literature in individuals with PEX13-related conditions. This variant is present in population databases (rs149581494, ExAC 0.01%). This sequence change replaces leucine with isoleucine at codon 334 of the PEX13 protein (p.Leu334Ile). The leucine residue is moderately conserved and there is a small physicochemical difference between leucine and isoleucine.

NM_002618.4(PEX13):c.1000C>A (p.Leu334Ile)

Gene: PEX13 (peroxisomal biogenesis factor 13; plus strand). Cytogenetic location: 2p15.
Variant type: single nucleotide variant.
Coding change: c.1000C>A on transcript NM_002618.4 (MANE Select); coding-DNA position 1000, C replaced by A.
Protein change: p.Leu334Ile; replaces leucine 334 with isoleucine.
Molecular consequence: missense variant.
Genome position (GRCh38, 1-based): chr2:61,048,558, C>A. VCF-style: chr2-61048558-C-A. GRCh37 (hg19) VCF-style: chr2-61275693-C-A.
Other names: short protein forms L334I.
Identifiers: ClinVar variation 1358375 (VCV001358375.8), dbSNP rs149581494, ClinGen allele CA1673412.